The following is an entry in ClinVar:

ClinVar aggregate classification (germline): Likely benign (1 of 4 stars; one submission).

Conditions:
Mucopolysaccharidosis, MPS-III-D (MPS3D). Also called: MPS IIID (Sanfilippo Syndrome Type D); MPS III D; Mucopoly-saccharidosis type 3D; N-acetylglucosamine-6-sulfate sulfatase deficiency; MPS 3D; N-ACETYLGLUCOSAMINE-6-SULFATASE DEFICIENCY. Identifiers: Orphanet 581, Orphanet 79272, MedGen C0086650, MONDO:0009658, OMIM 252940.

Allele frequency attached by ClinVar (database versions not stated): 1000 Genomes Project 0.00619; 1000 Genomes Project 30x 0.00671; gnomAD 0.00886; TOPMed 0.00957.

Submission:

Illumina Laboratory Services, Illumina
Classification: Likely benign for Mucopolysaccharidosis, MPS-III-D. Last evaluated: 2018-01-13. Review status: criteria provided, single submitter. Criteria: ICSL Variant Classification Criteria 13 December 2019. Collection method: clinical testing. Allele origin: germline.
Comment: This variant was observed in the ICSL laboratory as part of a predisposition screen in an ostensibly healthy population. It had not been previously curated by ICSL or reported in the Human Gene Mutation Database (HGMD: prior to June 1st, 2018), and was therefore a candidate for classification through an automated scoring system. Utilizing variant allele frequency, disease prevalence and penetrance estimates, and inheritance mode, an automated score was calculated to assess if this variant is too frequent to cause the disease. Based on the score and internal cut-off values, a variant classified as likely benign is not then subjected to further curation. The score for this variant resulted in a classification of likely benign for this disease.

NM_002076.4(GNS):c.*2751C>T

Gene: GNS (glucosamine (N-acetyl)-6-sulfatase; minus strand). Cytogenetic location: 12q14.3.
Variant type: single nucleotide variant.
Coding change: c.*2751C>T on transcript NM_002076.4 (MANE Select); 2751 bases downstream of the stop codon, C replaced by T.
Molecular consequence: 3 prime UTR variant.
Genome position (GRCh38, 1-based): chr12:64,713,990, G>A on the plus strand (C>T on the coding strand, the complement: GNS is on the minus strand). VCF-style: chr12-64713990-G-A. GRCh37 (hg19) VCF-style: chr12-65107770-G-A.
Identifiers: ClinVar variation 310167 (VCV000310167.5), dbSNP rs137943279, ClinGen allele CA10638308.